The following is an entry in ClinVar:

NM_000256.3(MYBPC3):c.2047T>A (p.Trp683Arg)

Gene: MYBPC3 (myosin binding protein C3; minus strand). Cytogenetic location: 11p11.2.
Variant type: single nucleotide variant.
Coding change: c.2047T>A on transcript NM_000256.3 (MANE Select); coding-DNA position 2047, T replaced by A.
Protein change: p.Trp683Arg; replaces tryptophan 683 with arginine.
Molecular consequence: missense variant.
Genome position (GRCh38, 1-based): chr11:47,339,671, A>T on the plus strand (T>A on the coding strand, the complement: MYBPC3 is on the minus strand). VCF-style: chr11-47339671-A-T. GRCh37 (hg19) VCF-style: chr11-47361222-A-T.
Other names: short protein forms W683R.
Identifiers: ClinVar variation 1493251 (VCV001493251.6), dbSNP rs2142857608, ClinGen allele CA380321400.

ClinVar aggregate classification (germline): Uncertain significance (1 of 4 stars; one submission).

Conditions:
Hypertrophic cardiomyopathy. Also called: HYPERTROPHIC MYOCARDIOPATHY. Identifiers: Orphanet 217569, MedGen C0007194, MeSH D002312, MONDO:0005045, HP:0001639.

Submission:

Labcorp Genetics (formerly Invitae), Labcorp
Classification: Uncertain significance for Hypertrophic cardiomyopathy. Last evaluated: 2022-06-27. Review status: criteria provided, single submitter. Criteria: Invitae Variant Classification Sherloc (09022015). Collection method: clinical testing. Allele origin: germline.
Comment: In summary, the available evidence is currently insufficient to determine the role of this variant in disease. Therefore, it has been classified as a Variant of Uncertain Significance. Algorithms developed to predict the effect of sequence changes on RNA splicing suggest that this variant may create or strengthen a splice site. This variant has not been reported in the literature in individuals affected with MYBPC3-related conditions. Algorithms developed to predict the effect of missense changes on protein structure and function (SIFT, PolyPhen-2, Align-GVGD) all suggest that this variant is likely to be disruptive. This sequence change replaces tryptophan, which is neutral and slightly polar, with arginine, which is basic and polar, at codon 683 of the MYBPC3 protein (p.Trp683Arg). This variant is not present in population databases (gnomAD no frequency).